The following is an entry in ClinVar:

NM_015338.6(ASXL1):c.244A>G (p.Thr82Ala)

Gene: ASXL1 (ASXL transcriptional regulator 1; plus strand). Cytogenetic location: 20q11.21.
Variant type: single nucleotide variant.
Coding change: c.244A>G on transcript NM_015338.6 (MANE Select); coding-DNA position 244, A replaced by G.
Protein change: p.Thr82Ala; replaces threonine 82 with alanine.
Molecular consequence: missense variant.
Genome position (GRCh38, 1-based): chr20:32,369,115, A>G. VCF-style: chr20-32369115-A-G. GRCh37 (hg19) VCF-style: chr20-30956918-A-G.
Other names: c.244A>G, p.Thr82Ala (NM_001164603.1); c.214A>G, p.Thr72Ala (NM_001363734.1); short protein forms T72A, T82A.
Identifiers: ClinVar variation 4827394 (VCV004827394.1).

ClinVar aggregate classification (germline): Uncertain significance (1 of 4 stars; one submission).

Conditions:
Inborn genetic diseases. Identifiers: MedGen C0950123, MeSH D030342.

Submission:

Ambry Genetics
Classification: Uncertain significance for Inborn genetic diseases. Last evaluated: 2026-03-01. Review status: criteria provided, single submitter. Criteria: Ambry Variant Classification Scheme 2023. Collection method: clinical testing. Allele origin: germline.
Comment: The p.T82A variant (also known as c.244A>G), located in coding exon 4 of the ASXL1 gene, results from an A to G substitution at nucleotide position 244. The threonine at codon 82 is replaced by alanine, an amino acid with similar properties. This amino acid position is conserved. In addition, the in silico prediction for this alteration is inconclusive. Based on the available evidence, the clinical significance of this variant remains unclear.